The following is an entry in ClinVar:

ClinVar aggregate classification (germline): Uncertain significance. Review status: criteria provided, multiple submitters, no conflicts (2 of 4 stars). 2 submissions from 2 submitters: Uncertain significance (2). Last evaluated 2024-03-08.

Conditions:
Inborn genetic diseases. Identifiers: MedGen C0950123, MeSH D030342.

Allele frequency attached by ClinVar (database versions not stated): gnomAD exomes 0.00001; TOPMed 0.00002; gnomAD 0.00003.
gnomAD v4.1: 17 of 1,614,036 alleles (0.0011%); highest among the groups gnomAD compares: Non-Finnish European, 0.0014%; no homozygotes.

Submissions (2):

Women's Health and Genetics/Laboratory Corporation of America, LabCorp
Classification: Uncertain significance. Last evaluated: 2024-03-08. Review status: criteria provided, single submitter. Criteria: LabCorp Variant Classification Summary - May 2015. Collection method: clinical testing. Allele origin: germline.
Comment: Variant summary: F13A1 c.1538T>A (p.Met513Lys) results in a non-conservative amino acid change in the encoded protein sequence. Four of five in-silico tools predict a benign effect of the variant on protein function. The variant was absent in 251460 control chromosomes. The available data on variant occurrences in the general population are insufficient to allow any conclusion about variant significance. To our knowledge, no occurrence of c.1538T>A in individuals affected with Factor XIIIA Deficiency and no experimental evidence demonstrating its impact on protein function have been reported. ClinVar contains an entry for this variant (Variation ID: 2530566). Based on the evidence outlined above, the variant was classified as uncertain significance.

Ambry Genetics
Classification: Uncertain significance for Inborn genetic diseases. Last evaluated: 2023-03-28. Review status: criteria provided, single submitter. Criteria: Ambry Variant Classification Scheme 2023. Collection method: clinical testing. Allele origin: germline.

NM_000129.4(F13A1):c.1538T>A (p.Met513Lys)

Gene: F13A1 (coagulation factor XIII A chain; minus strand). Cytogenetic location: 6p25.1.
Variant type: single nucleotide variant.
Coding change: c.1538T>A on transcript NM_000129.4 (MANE Select); coding-DNA position 1538, T replaced by A.
Protein change: p.Met513Lys; replaces methionine 513 with lysine.
Molecular consequence: missense variant.
Genome position (GRCh38, 1-based): chr6:6,174,789, A>T on the plus strand (T>A on the coding strand, the complement: F13A1 is on the minus strand). VCF-style: chr6-6174789-A-T. GRCh37 (hg19) VCF-style: chr6-6175022-A-T.
Other names: short protein forms M513K.
Identifiers: ClinVar variation 2530566 (VCV002530566.4), dbSNP rs1380447934, ClinGen allele CA362662217.
Genomic context (GRCh38, chr6:6,174,789, plus strand): 5'-TCTTTTCCCAGCACAGCATTTTCCACTTCAAAGTCCATGTCAACGTTGGACCTTGATTTC[A>T]TGACACCTTCTGTGTTGAGGGGCTTTTTAGCTCCGTACATCAGGGCAGTTTCTAGGGCCA-3'
Protein context (NP_000120.2, residues 503-523): AKKPLNTEGV[Met513Lys]KSRSNVDMDF